The following is an entry in ClinVar:

ClinVar aggregate classification (germline): Uncertain significance. Review status: criteria provided, multiple submitters, no conflicts (2 of 4 stars). 2 submissions from 2 submitters: Uncertain significance (2). Last evaluated 2022-07-22.

Conditions:
Cardiovascular phenotype. Identifiers: MedGen CN230736.
Alstrom syndrome (ALMS). Identifiers: Orphanet 64, MedGen C0268425, MONDO:0008763, OMIM 203800.

Allele frequency attached by ClinVar (database versions not stated): gnomAD exomes 0.00001; ExAC 0.00002; gnomAD 0.00002; TOPMed 0.00005.
gnomAD v4.1: 22 of 1,613,994 alleles (0.0014%); highest among the groups gnomAD compares: Middle Eastern, 0.016%; no homozygotes.

Submissions (2):

Labcorp Genetics (formerly Invitae), Labcorp
Classification: Uncertain significance for Alstrom syndrome. Last evaluated: 2022-07-22. Review status: criteria provided, single submitter. Criteria: Invitae Variant Classification Sherloc (09022015). Collection method: clinical testing. Allele origin: germline.
Comment: This sequence change replaces phenylalanine, which is neutral and non-polar, with leucine, which is neutral and non-polar, at codon 2549 of the ALMS1 protein (p.Phe2549Leu). This variant is present in population databases (rs746800254, gnomAD 0.004%). This variant has not been reported in the literature in individuals affected with ALMS1-related conditions. Experimental studies and prediction algorithms are not available or were not evaluated, and the functional significance of this variant is currently unknown. In summary, the available evidence is currently insufficient to determine the role of this variant in disease. Therefore, it has been classified as a Variant of Uncertain Significance.

Ambry Genetics
Classification: Uncertain significance for Cardiovascular phenotype. Last evaluated: 2021-10-19. Review status: criteria provided, single submitter. Criteria: Ambry Variant Classification Scheme 2023. Collection method: clinical testing. Allele origin: germline.
Comment: The p.F2549L variant (also known as c.7645T>C), located in coding exon 9 of the ALMS1 gene, results from a T to C substitution at nucleotide position 7645. The phenylalanine at codon 2549 is replaced by leucine, an amino acid with highly similar properties. This amino acid position is well conserved in available vertebrate species. In addition, this alteration is predicted to be tolerated by in silico analysis. Since supporting evidence is limited at this time, the clinical significance of this alteration remains unclear.

NM_001378454.1(ALMS1):c.7642T>C (p.Phe2548Leu)

Gene: ALMS1 (ALMS1 centrosome and basal body associated protein; plus strand). Cytogenetic location: 2p13.1.
Variant type: single nucleotide variant.
Coding change: c.7642T>C on transcript NM_001378454.1 (MANE Select); coding-DNA position 7642, T replaced by C.
Protein change: p.Phe2548Leu; replaces phenylalanine 2548 with leucine.
Molecular consequence: missense variant.
Genome position (GRCh38, 1-based): chr2:73,455,263, T>C. VCF-style: chr2-73455263-T-C. GRCh37 (hg19) VCF-style: chr2-73682390-T-C.
Other names: c.7645T>C, p.Phe2549Leu (NM_015120.4); short protein forms F2548L, F2549L.
Identifiers: ClinVar variation 1759955 (VCV001759955.4), dbSNP rs746800254, ClinGen allele CA1714287.